The following is an entry in ClinVar:

ClinVar aggregate classification (germline): Uncertain significance (1 of 4 stars; one submission).

Conditions:
Arginase deficiency. Also called: ARGININEMIA; ARG1 DEFICIENCY; Arginase 1 Deficiency. Identifiers: Orphanet 90, MedGen C0268548, MONDO:0008814, OMIM 207800.

Allele frequency attached by ClinVar (database versions not stated): gnomAD 0.00001; ESP Exome Variant Server 0.00008; TOPMed 0.00002.

Submission:

Labcorp Genetics (formerly Invitae), Labcorp
Classification: Uncertain significance for Arginase deficiency. Last evaluated: 2025-01-15. Review status: criteria provided, single submitter. Criteria: Invitae Variant Classification Sherloc (09022015). Collection method: clinical testing. Allele origin: germline.
Comment: This sequence change replaces glycine, which is neutral and non-polar, with serine, which is neutral and polar, at codon 257 of the ARG1 protein (p.Gly257Ser). This variant is not present in population databases (gnomAD no frequency). This variant has not been reported in the literature in individuals affected with ARG1-related conditions. ClinVar contains an entry for this variant (Variation ID: 1351911). Invitae Evidence Modeling of protein sequence and biophysical properties (such as structural, functional, and spatial information, amino acid conservation, physicochemical variation, residue mobility, and thermodynamic stability) indicates that this missense variant is not expected to disrupt ARG1 protein function with a negative predictive value of 80%. In summary, the available evidence is currently insufficient to determine the role of this variant in disease. Therefore, it has been classified as a Variant of Uncertain Significance.

NM_000045.4(ARG1):c.769G>A (p.Gly257Ser)

Genes: ARG1 (arginase 1; plus strand), MED23 (mediator complex subunit 23; minus strand). Cytogenetic location: 6q23.2.
Variant type: single nucleotide variant.
Coding change: c.769G>A on transcript NM_000045.4 (MANE Select); coding-DNA position 769, G replaced by A.
Protein change: p.Gly257Ser; replaces glycine 257 with serine.
Molecular consequence: missense variant. On other transcripts: non-coding transcript variant (1), intron variant (2).
Genome position (GRCh38, 1-based): chr6:131,583,458, G>A. VCF-style: chr6-131583458-G-A. GRCh37 (hg19) VCF-style: chr6-131904598-G-A.
Other names: c.793G>A, p.Gly265Ser (NM_001244438.2); c.514G>A, p.Gly172Ser (NM_001369020.1); c.4077+4251C>T (NM_001270521.2); c.4095+4251C>T (NM_015979.4); short protein forms G172S, G257S, G265S.
Identifiers: ClinVar variation 1351911 (VCV001351911.8), dbSNP rs372489226, ClinGen allele CA147898379.